The following is an entry in ClinVar:

NM_001367868.2(PLIN4):c.36C>T (p.Pro12=)

Gene: PLIN4 (perilipin 4; minus strand). Cytogenetic location: 19p13.3.
Variant type: single nucleotide variant.
Coding change: c.36C>T on transcript NM_001367868.2 (MANE Select); coding-DNA position 36, C replaced by T.
Protein change: p.Pro12=; no amino-acid change (proline 12 retained).
Molecular consequence: synonymous variant.
Genome position (GRCh38, 1-based): chr19:4,518,237, G>A on the plus strand (C>T on the coding strand, the complement: PLIN4 is on the minus strand). VCF-style: chr19-4518237-G-A. GRCh37 (hg19) VCF-style: chr19-4518249-G-A.
Other names: c.36C>T, p.Pro12= (NM_001393888.1, NM_001393889.1, NM_001393890.1 and 1 more transcripts).
Identifiers: ClinVar variation 4821850 (VCV004821850.4).
Genomic context (GRCh38, chr19:4,518,237, plus strand): 5'-CATCTCCAGGCCCCAGCAAGAATCTGCCCCATTTCCCCTCTTTACCTTGCCCTTCGGTTT[G>A]GGGGGATCCCGTCTCCCTTCGTCTGGAGCAGACATAGTGAGAACGTGAGAAGCTGGAAGG-3'
Protein context (NP_001354797.1, residues 2-22): SAPDEGRRDP[Pro12=]KPKGKTLGSF

ClinVar aggregate classification (germline): Likely benign (1 of 4 stars; one submission).

Submission:

CeGaT Center for Human Genetics Tuebingen
Classification: Likely benign. Last evaluated: 2026-01-01. Review status: criteria provided, single submitter. Criteria: CeGaT Center For Human Genetics Tuebingen Variant Classification Criteria Version 2. Collection method: clinical testing. Allele origin: germline. Affected: yes. Observed: 1 variant allele.
Comment: PLIN4: BP4, BP7